The following is an entry in ClinVar:

ClinVar aggregate classification (germline): Likely benign. Review status: criteria provided, single submitter (1 of 4 stars). 2 submissions from 2 submitters: Likely benign (1). 1 of the submissions does not count toward it. Last evaluated 2025-10-06.

Conditions:
BRAF-related disorder. Also called: BRAF-related condition.
RASopathy. Also called: rasopathies; Noonan spectrum disorder. Identifiers: Orphanet 536391, MedGen C5555857, MONDO:0021060.

Submissions (2):

Labcorp Genetics (formerly Invitae), Labcorp
Classification: Likely benign for RASopathy. Last evaluated: 2025-10-06. Review status: criteria provided, single submitter. Criteria: Invitae Variant Classification Sherloc (09022015). Collection method: clinical testing. Allele origin: germline.

PreventionGenetics, part of Exact Sciences
Classification: Likely benign for BRAF-related condition. Last evaluated: 2021-04-07. Review status: no assertion criteria provided. Collection method: clinical testing. Allele origin: germline. Not counted in ClinVar's aggregate classification.
Comment: This variant is classified as likely benign based on ACMG/AMP sequence variant interpretation guidelines (Richards et al. 2015 PMID: 25741868, with internal and published modifications).

NM_004333.6(BRAF):c.2128-16_2128-14del

Gene: BRAF (B-Raf proto-oncogene, serine/threonine kinase; minus strand). Cytogenetic location: 7q34.
Variant type: Deletion.
Coding change: c.2128-16_2128-14del on transcript NM_004333.6 (MANE Select); 16 bases into the intron before coding-DNA position 2128 through 14 bases into the intron before coding-DNA position 2128, 3 bases deleted (CTT; older notation c.2128-16_2128-14delCTT).
Molecular consequence: intron variant.
Genome position (GRCh38, 1-based): chr7:140,734,784-140,734,786, AAG deleted on the plus strand (CTT on the coding strand, the reverse complement: BRAF is on the minus strand); deleting any 3 consecutive bases within chr7:140,734,784-140,734,788 gives the same sequence; the c. name uses the placement nearest the transcript's 3' end. VCF-style (leftmost placement, unchanged base first): chr7-140734783-AAAG-A. GRCh37 (hg19) VCF-style: chr7-140434583-AAAG-A.
Other names: c.2127+5026_2127+5028del (NM_001378474.1, NM_001378468.1); c.2026-16_2026-14del (NM_001378470.1); c.1864-16_1864-14del (NM_001378475.1); c.2017-16_2017-14del (NM_001378471.1); c.2128-16_2128-14del (NM_001354609.2); c.2248-16_2248-14del (NM_001374258.1, NM_001374244.1); c.2137-16_2137-14del (NM_001378467.1); c.1972-16_1972-14del (NM_001378472.1, NM_001378473.1); and 2 more.
Identifiers: ClinVar variation 1547808 (VCV001547808.10), dbSNP rs1585932359, ClinGen allele CA918146566.